The following is an entry in ClinVar:

ClinVar aggregate classification (germline): Likely benign (0 of 4 stars; one submission).

Conditions:
MYH10-related disorder. Also called: MYH10-related condition.

Allele frequency attached by ClinVar (database versions not stated): gnomAD exomes 0.00004; gnomAD 0.00001; TOPMed 0.00001.
gnomAD v4.1: 58 of 1,612,762 alleles (0.0036%); highest among the groups gnomAD compares: Non-Finnish European, 0.0045%; no homozygotes.

Submission:

PreventionGenetics, part of Exact Sciences
Classification: Likely benign for MYH10-related condition. Last evaluated: 2019-02-21. Review status: no assertion criteria provided. Collection method: clinical testing. Allele origin: germline.
Comment: This variant is classified as likely benign based on ACMG/AMP sequence variant interpretation guidelines (Richards et al. 2015 PMID: 25741868, with internal and published modifications).

NM_001256012.3(MYH10):c.2622G>A (p.Pro874=)

Genes: MYH10 (myosin heavy chain 10; minus strand), LOC126862486 (BRD4-independent group 4 enhancer GRCh37_chr17:8416542-8417741; plus strand). Cytogenetic location: 17p13.1.
Variant type: single nucleotide variant.
Coding change: c.2622G>A on transcript NM_001256012.3 (MANE Select); coding-DNA position 2622, G replaced by A.
Protein change: p.Pro874=; no amino-acid change (proline 874 retained).
Molecular consequence: synonymous variant.
Genome position (GRCh38, 1-based): chr17:8,513,661, C>T on the plus strand (G>A on the coding strand, the complement: MYH10 is on the minus strand). VCF-style: chr17-8513661-C-T. GRCh37 (hg19) VCF-style: chr17-8416979-C-T.
Other names: c.2556G>A, p.Pro852= (NM_001256095.2); c.2559G>A, p.Pro853= (NM_001375266.1); c.2529G>A, p.Pro843= (NM_005964.5).
Identifiers: ClinVar variation 3046495 (VCV003046495.2), dbSNP rs1339221553, ClinGen allele CA497965138.